The following is an entry in ClinVar:

ClinVar aggregate classification (germline): Uncertain significance (1 of 4 stars; one submission).

gnomAD v4.1: 46 of 1,614,064 alleles (0.0028%); highest among the groups gnomAD compares: Middle Eastern, 0.016%; no homozygotes.

Submission:

Dasa
Classification: Uncertain significance. Last evaluated: 2026-01-08. Review status: criteria provided, single submitter. Criteria: DASA Assertion Criteria. Collection method: clinical testing. Allele origin: germline.
Comment: NM_000250.2(MPO):c.1580T>G (p.Leu527Arg) is a missense variant that results in the substitution of leucine with arginine. This variant has been observed in affected individuals with MPO-related disorders. Also, this variant is rare in population databases. Computational prediction algorithms are consistent with a deleterious effect. The currently available literature and clinical evidence are not sufficient to establish a definitive association between this variant and the reported condition. Therefore, this variant is classified as a variant of uncertain significance.

NM_000250.2(MPO):c.1580T>G (p.Leu527Arg)

Genes: MPO (myeloperoxidase; minus strand), LOC106694316 (enhancer region in introns 7-9 of MPO; plus strand). Cytogenetic location: 17q22.
Variant type: single nucleotide variant.
Coding change: c.1580T>G on transcript NM_000250.2 (MANE Select); coding-DNA position 1580, T replaced by G.
Protein change: p.Leu527Arg; replaces leucine 527 with arginine.
Molecular consequence: missense variant.
Genome position (GRCh38, 1-based): chr17:58,273,455, A>C on the plus strand (T>G on the coding strand, the complement: MPO is on the minus strand). VCF-style: chr17-58273455-A-C. GRCh37 (hg19) VCF-style: chr17-56350816-A-C.
Other names: short protein forms L527R.
Identifiers: ClinVar variation 4886005 (VCV004886005.2).